The following is an entry in ClinVar:

ClinVar aggregate classification (germline): Conflicting classifications of pathogenicity. Review status: criteria provided, conflicting classifications (1 of 4 stars). 3 submissions from 3 submitters: Uncertain significance (2); Likely benign (1). Last evaluated 2025-02-12.

Conditions:
Cardiomyopathy (CMYO). Also called: Cardiomyopathies. Identifiers: Orphanet 167848, MedGen C0878544, MONDO:0004994, HP:0001638. Inheritance: Various modes of inheritance.
Arrhythmogenic right ventricular dysplasia 8 (ARVD8). Also called: Arrhythmogenic Right Ventricular Dysplasia/Cardiomyopathy 8; ARRHYTHMOGENIC RIGHT VENTRICULAR DYSPLASIA, FAMILIAL, 8; ARRHYTHMOGENIC RIGHT VENTRICULAR CARDIOMYOPATHY 8. Identifiers: MedGen C1843896, MONDO:0011831, OMIM 607450.
Arrhythmogenic cardiomyopathy with wooly hair and keratoderma. Also called: PALMOPLANTAR KERATODERMA WITH LEFT VENTRICULAR CARDIOMYOPATHY AND WOOLLY HAIR; Carvajal syndrome; Dilated cardiomyopathy with woolly hair and keratoderma; Arrhythmogenic cardiomyopathy with woolly hair and keratoderma. Identifiers: Orphanet 65282, MedGen C1854063, MONDO:0011581, OMIM 605676.

Allele frequency attached by ClinVar (database versions not stated): TOPMed 0.00003; 1000 Genomes Project 30x 0.00016; 1000 Genomes Project 0.00020.
gnomAD v4.1: 9 of 1,614,104 alleles (0.00056%); highest among the groups gnomAD compares: Non-Finnish European, 0.00076%; no homozygotes.

Submissions (3):

GeneDx
Classification: Uncertain significance. Last evaluated: 2025-02-12. Review status: criteria provided, single submitter. Criteria: GeneDx Variant Classification Process June 2021. Collection method: clinical testing. Allele origin: germline. Affected: yes.
Comment: Identified in a patient with a history of ventricular fibrillation (VF) in published literature (PMID: 29032884); Not observed at significant frequency in large population cohorts (gnomAD); In silico analysis supports that this missense variant has a deleterious effect on protein structure/function; This variant is associated with the following publications: (PMID: 29032884)

Labcorp Genetics (formerly Invitae), Labcorp
Classification: Likely benign for Arrhythmogenic cardiomyopathy with wooly hair and keratoderma; Arrhythmogenic right ventricular dysplasia 8. Last evaluated: 2024-04-17. Review status: criteria provided, single submitter. Criteria: Invitae Variant Classification Sherloc (09022015). Collection method: clinical testing. Allele origin: germline.

Color Diagnostics, LLC DBA Color Health
Classification: Uncertain significance for Cardiomyopathy. Last evaluated: 2020-03-09. Review status: criteria provided, single submitter. Criteria: ACMG Guidelines, 2015. Collection method: clinical testing. Allele origin: germline.
Comment: This missense variant replaces lysine with asparagine at codon 1094 of the DSP protein. Computational prediction suggests that this variant may not impact protein structure and function (internally defined REVEL score threshold <= 0.5, PMID: 27666373). Splice site prediction tools suggest that this variant may not impact RNA splicing. To our knowledge, functional studies have not been reported for this variant. This variant has been reported in an individual affected with idiopathic ventricular fibrillation (PMID: 29032884). This variant has been identified in 3/250932 chromosomes in the general population by the Genome Aggregation Database (gnomAD). The available evidence is insufficient to determine the role of this variant in disease conclusively. Therefore, this variant is classified as a Variant of Uncertain Significance.

NM_004415.4(DSP):c.3282G>C (p.Lys1094Asn)

Gene: DSP (desmoplakin; plus strand). Cytogenetic location: 6p24.3.
Variant type: single nucleotide variant.
Coding change: c.3282G>C on transcript NM_004415.4 (MANE Select); coding-DNA position 3282, G replaced by C.
Protein change: p.Lys1094Asn; replaces lysine 1094 with asparagine.
Molecular consequence: missense variant.
Genome position (GRCh38, 1-based): chr6:7,579,472, G>C. VCF-style: chr6-7579472-G-C. GRCh37 (hg19) VCF-style: chr6-7579705-G-C.
Other names: c.3282G>C, p.Lys1094Asn (NM_001008844.3, NM_001319034.2); short protein forms K1094N.
Identifiers: ClinVar variation 923358 (VCV000923358.7), dbSNP rs2491080, ClinGen allele CA037692.